The following is an entry in ClinVar:

ClinVar aggregate classification (germline): Uncertain significance (1 of 4 stars; one submission).

gnomAD v4.1: 1 of 1,613,818 alleles (0.000062%); no homozygotes.

Submission:

GeneDx
Classification: Uncertain significance. Last evaluated: 2025-08-16. Review status: criteria provided, single submitter. Criteria: GeneDx Variant Classification Process June 2021. Collection method: clinical testing. Allele origin: germline. Affected: yes.
Comment: Not observed at significant frequency in large population cohorts (gnomAD); In silico analysis suggests that this missense variant does not alter protein structure/function; Has not been previously published as pathogenic or benign to our knowledge

NM_005045.4(RELN):c.5375C>T (p.Pro1792Leu)

Gene: RELN (reelin; minus strand). Cytogenetic location: 7q22.1.
Variant type: single nucleotide variant.
Coding change: c.5375C>T on transcript NM_005045.4 (MANE Select); coding-DNA position 5375, C replaced by T.
Protein change: p.Pro1792Leu; replaces proline 1792 with leucine.
Molecular consequence: missense variant.
Genome position (GRCh38, 1-based): chr7:103,561,686, G>A on the plus strand (C>T on the coding strand, the complement: RELN is on the minus strand). VCF-style: chr7-103561686-G-A. GRCh37 (hg19) VCF-style: chr7-103202133-G-A.
Other names: c.5375C>T, p.Pro1792Leu (NM_173054.3); short protein forms P1792L.
Identifiers: ClinVar variation 4795342 (VCV004795342.1).